The following is an entry in ClinVar:

NM_000334.4(SCN4A):c.5234G>A (p.Arg1745His)

Genes: GH-LCR (growth hormone locus control region; plus strand), SCN4A (sodium voltage-gated channel alpha subunit 4; minus strand). Cytogenetic location: 17q23.3.
Variant type: single nucleotide variant.
Coding change: c.5234G>A on transcript NM_000334.4 (MANE Select); coding-DNA position 5234, G replaced by A.
Protein change: p.Arg1745His; replaces arginine 1745 with histidine.
Molecular consequence: missense variant.
Genome position (GRCh38, 1-based): chr17:63,941,048, C>T on the plus strand (G>A on the coding strand, the complement: SCN4A is on the minus strand). VCF-style: chr17-63941048-C-T. GRCh37 (hg19) VCF-style: chr17-62018408-C-T.
Other names: short protein forms R1745H.
Identifiers: ClinVar variation 1017327 (VCV001017327.7), dbSNP rs376526108, ClinGen allele CA8708806.

ClinVar aggregate classification (germline): Uncertain significance. Review status: criteria provided, multiple submitters, no conflicts (2 of 4 stars). 2 submissions from 2 submitters: Uncertain significance (2). Last evaluated 2025-11-18.

Conditions:
Hyperkalemic periodic paralysis. Also called: Familial hyperkalemic periodic paralysis; Gamstorp disease. Identifiers: Orphanet 682, MedGen C0238357, MONDO:0008224, OMIM 170500, HP:0007215.

Allele frequency attached by ClinVar (database versions not stated): ExAC 0.00002; gnomAD exomes 0.00002; TOPMed 0.00006; ESP Exome Variant Server 0.00008; 1000 Genomes Project 30x 0.00016; 1000 Genomes Project 0.00020.
gnomAD v4.1: 15 of 1,613,968 alleles (0.00093%); highest among the groups gnomAD compares: Middle Eastern, 0.016%; no homozygotes.

Submissions (2):

Labcorp Genetics (formerly Invitae), Labcorp
Classification: Uncertain significance for Hyperkalemic periodic paralysis. Last evaluated: 2025-11-18. Review status: criteria provided, single submitter. Criteria: Invitae Variant Classification Sherloc (09022015). Collection method: clinical testing. Allele origin: germline.
Comment: This sequence change replaces arginine, which is basic and polar, with histidine, which is basic and polar, at codon 1745 of the SCN4A protein (p.Arg1745His). This variant is present in population databases (rs376526108, gnomAD 0.008%). This variant has not been reported in the literature in individuals affected with SCN4A-related conditions. ClinVar contains an entry for this variant (Variation ID: 1017327). Invitae Evidence Modeling of protein sequence and biophysical properties (such as structural, functional, and spatial information, amino acid conservation, physicochemical variation, residue mobility, and thermodynamic stability) indicates that this missense variant is not expected to disrupt SCN4A protein function with a negative predictive value of 95%. In summary, the available evidence is currently insufficient to determine the role of this variant in disease. Therefore, it has been classified as a Variant of Uncertain Significance.

GeneDx
Classification: Uncertain significance. Last evaluated: 2022-07-19. Review status: criteria provided, single submitter. Criteria: GeneDx Variant Classification Process June 2021. Collection method: clinical testing. Allele origin: germline. Affected: yes.
Comment: Not observed at significant frequency in large population cohorts (gnomAD); In silico analysis supports that this missense variant has a deleterious effect on protein structure/function; Has not been previously published as pathogenic or benign to our knowledge